The following is an entry in ClinVar:

NM_001267550.2(TTN):c.58567_58568dup (p.Lys19524fs)

Genes: TTN (titin; minus strand), TTN-AS1 (TTN antisense RNA 1; plus strand). Cytogenetic location: 2q31.2.
Variant type: Duplication.
Coding change: c.58567_58568dup on transcript NM_001267550.2 (MANE Select); coding-DNA positions 58567 to 58568, 2 bases duplicated (GG; older notation c.58567_58568dupGG).
Protein change: p.Lys19524fs; shifts the reading frame from lysine 19524.
Molecular consequence: frameshift variant.
Genome position (GRCh38, 1-based): chr2:178,593,732-178,593,733, CC duplicated on the plus strand (GG on the coding strand, the reverse complement: TTN is on the minus strand); duplicating any 2 consecutive bases within chr2:178,593,732-178,593,734 gives the same sequence; the c. name uses the placement nearest the transcript's 3' end. VCF-style (leftmost placement, unchanged base first): chr2-178593731-A-ACC. GRCh37 (hg19) VCF-style: chr2-179458458-A-ACC.
Other names: c.53644_53645dup, p.Lys17883fs (NM_001256850.1); c.31372_31373dup, p.Lys10459fs (NM_003319.4); c.50863_50864dup, p.Lys16956fs (NM_133378.4); c.31747_31748dup, p.Lys10584fs (NM_133432.3); c.31948_31949dup, p.Lys10651fs (NM_133437.4); c.31372_31373dupGG (NM_003319.4); short protein forms K16956fs, K17883fs, K10459fs, K10651fs, K19524fs, K10584fs.
Identifiers: ClinVar variation 520931 (VCV000520931.3), dbSNP rs1553650442, ClinGen allele CA658796043.

ClinVar aggregate classification (germline): Pathogenic (1 of 4 stars; one submission).

Conditions:
Inborn genetic diseases. Identifiers: MedGen C0950123, MeSH D030342.

Submission:

Ambry Genetics
Classification: Pathogenic for Hereditary disease. Last evaluated: 2016-02-05. Review status: criteria provided, single submitter. Criteria: ambry_reporting_categories_2017. Collection method: clinical testing. Allele origin: germline. Affected: yes. Observed: 1 heterozygote. Segregation with disease observed.
Comment: Lines of evidence used in support of classification: POSITIVE: Relevant Alteration(s) Detected

Literature cited by the submitters: PubMed 23518707; PubMed 23418287; PubMed 24105469; PubMed 11717165; PubMed 22335739; PubMed 10462489; PubMed 21810661; PubMed 12669942; PubMed 21617319; PubMed 18948003; PubMed 1745277; PubMed 24395473; PubMed 12145747; PubMed 17444505.